The following is an entry in ClinVar:

NM_001330700.2(TOP2B):c.4828T>C (p.Phe1610Leu)

Gene: TOP2B (DNA topoisomerase II beta; minus strand). Cytogenetic location: 3p24.2.
Variant type: single nucleotide variant.
Coding change: c.4828T>C on transcript NM_001330700.2 (MANE Select); coding-DNA position 4828, T replaced by C.
Protein change: p.Phe1610Leu; replaces phenylalanine 1610 with leucine.
Molecular consequence: missense variant.
Genome position (GRCh38, 1-based): chr3:25,598,360, A>G on the plus strand (T>C on the coding strand, the complement: TOP2B is on the minus strand). VCF-style: chr3-25598360-A-G. GRCh37 (hg19) VCF-style: chr3-25639851-A-G.
Other names: c.4813T>C, p.Phe1605Leu (NM_001068.3); short protein forms F1605L, F1610L.
Identifiers: ClinVar variation 1412427 (VCV001412427.6), dbSNP rs2125336851, ClinGen allele CA351889961.

ClinVar aggregate classification (germline): Uncertain significance (1 of 4 stars; one submission).

Submission:

Labcorp Genetics (formerly Invitae), Labcorp
Classification: Uncertain significance. Last evaluated: 2021-08-19. Review status: criteria provided, single submitter. Criteria: Invitae Variant Classification Sherloc (09022015). Collection method: clinical testing. Allele origin: germline.
Comment: This variant is not present in population databases (ExAC no frequency). In summary, the available evidence is currently insufficient to determine the role of this variant in disease. Therefore, it has been classified as a Variant of Uncertain Significance. Algorithms developed to predict the effect of missense changes on protein structure and function are either unavailable or do not agree on the potential impact of this missense change (SIFT: "Deleterious"; PolyPhen-2: "Benign"; Align-GVGD: "Class C0"). This variant has not been reported in the literature in individuals affected with TOP2B-related conditions. This sequence change replaces phenylalanine with leucine at codon 1605 of the TOP2B protein (p.Phe1605Leu). The phenylalanine residue is moderately conserved and there is a small physicochemical difference between phenylalanine and leucine.